The following is an entry in ClinVar:

ClinVar aggregate classification (germline): Uncertain significance (0 of 4 stars; one submission).

Conditions:
Malignant tumor of breast. Also called: Malignant breast neoplasm; Cancer breast. Identifiers: MedGen C0006142, MONDO:0007254. Disease mechanism: loss of function.

gnomAD v4.1: 1 of 1,613,696 alleles (0.000062%); highest among the groups gnomAD compares: Non-Finnish European, 0.000085%; no homozygotes.

Submission:

Department of Pathology and Laboratory Medicine, Sinai Health System
Classification: Uncertain significance for Malignant tumor of breast. Review status: no assertion criteria provided. Collection method: clinical testing. Allele origin: unknown. Affected: yes. Study: The Canadian Open Genetics Repository (COGR).
Comment: The ATM p.Arg250= variant was not identified in the literature nor was it identified in the dbSNP, ClinVar or LOVD 3.0 databases. The variant was not identified in the following control databases: the Exome Aggregation Consortium (August 8th 2016) or the Genome Aggregation Database (Feb 27, 2017). The p.Arg250= variant is not expected to have clinical significance because it does not result in a change of amino acid and is not located in a known consensus splice site. The variant occurs outside of the splicing consensus sequence and 1 of 4 in silico or computational prediction software programs (SpliceSiteFinder, MaxEntScan, NNSPLICE, GeneSplicer) predict a greater than 10% difference in splicing; this is not very predictive of pathogenicity. In summary, based on the above information the clinical significance of this variant cannot be determined with certainty at this time. This variant is classified as a variant of uncertain significance.

NM_000051.4(ATM):c.748C>A (p.Arg250=)

Gene: ATM (ATM serine/threonine kinase; plus strand). Cytogenetic location: 11q22.3.
Variant type: single nucleotide variant.
Coding change: c.748C>A on transcript NM_000051.4 (MANE Select); coding-DNA position 748, C replaced by A.
Protein change: p.Arg250=; no amino-acid change (arginine 250 retained).
Molecular consequence: synonymous variant.
Genome position (GRCh38, 1-based): chr11:108,244,873, C>A. VCF-style: chr11-108244873-C-A. GRCh37 (hg19) VCF-style: chr11-108115600-C-A.
Other names: c.748C>A, p.Arg250= (NM_001351834.2).
Identifiers: ClinVar variation 1050744 (VCV001050744.2), dbSNP rs772821016, ClinGen allele CA476744690.